The following is an entry in ClinVar:

ClinVar aggregate classification (germline): Likely benign. Review status: criteria provided, multiple submitters, no conflicts (2 of 4 stars). 2 submissions from 2 submitters: Likely benign (2). Last evaluated 2026-09-01.

Allele frequency attached by ClinVar (database versions not stated): gnomAD 0.00004; gnomAD exomes 0.00005 and 0.00012; ExAC 0.00007; TOPMed 0.00010.
gnomAD v4.1: 83 of 1,599,976 alleles (0.0052%); highest among the groups gnomAD compares: Admixed American, 0.058%; no homozygotes.

Submissions (2):

CeGaT Center for Human Genetics Tuebingen
Classification: Likely benign. Last evaluated: 2026-09-01. Review status: criteria provided, single submitter. Criteria: CeGaT Center For Human Genetics Tuebingen Variant Classification Criteria Version 2. Collection method: clinical testing. Allele origin: germline. Affected: yes. Observed: 1 variant allele.
Comment: MIPEP: BP4, BP7

Labcorp Genetics (formerly Invitae), Labcorp
Classification: Likely benign. Last evaluated: 2023-07-31. Review status: criteria provided, single submitter. Criteria: Invitae Variant Classification Sherloc (09022015). Collection method: clinical testing. Allele origin: germline.

NM_005932.4(MIPEP):c.555G>A (p.Leu185=)

Gene: MIPEP (mitochondrial intermediate peptidase; minus strand). Cytogenetic location: 13q12.12.
Variant type: single nucleotide variant.
Coding change: c.555G>A on transcript NM_005932.4 (MANE Select); coding-DNA position 555, G replaced by A.
Protein change: p.Leu185=; no amino-acid change (leucine 185 retained).
Molecular consequence: synonymous variant.
Genome position (GRCh38, 1-based): chr13:23,874,894, C>T on the plus strand (G>A on the coding strand, the complement: MIPEP is on the minus strand). VCF-style: chr13-23874894-C-T. GRCh37 (hg19) VCF-style: chr13-24449033-C-T.
Identifiers: ClinVar variation 750386 (VCV000750386.7), dbSNP rs768160136, ClinGen allele CA6913283.